The following is an entry in ClinVar:

NM_172362.3(KCNH1):c.204-8_204-6del

Gene: KCNH1 (potassium voltage-gated channel subfamily H member 1; minus strand). Cytogenetic location: 1q32.2.
Variant type: Microsatellite.
Coding change: c.204-8_204-6del on transcript NM_172362.3 (MANE Select); 8 bases into the intron before coding-DNA position 204 through 6 bases into the intron before coding-DNA position 204, 3 bases deleted (GTT; older notation c.204-8_204-6delGTT).
Molecular consequence: intron variant.
Genome position (GRCh38, 1-based): chr1:211,103,608-211,103,610, AAC deleted on the plus strand (GTT on the coding strand, the reverse complement: KCNH1 is on the minus strand); deleting any 3 consecutive bases within chr1:211,103,608-211,103,613 gives the same sequence; the c. name uses the placement nearest the transcript's 3' end. VCF-style (leftmost placement, unchanged base first): chr1-211103607-AAAC-A. GRCh37 (hg19) VCF-style: chr1-211276949-AAAC-A.
Other names: c.204-8_204-6del (NM_002238.4); c.204-8_204-6delGTT (NM_172362.3).
Identifiers: ClinVar variation 2733799 (VCV002733799.5), dbSNP rs1478887348, ClinGen allele CA730910538.

ClinVar aggregate classification (germline): Likely benign. Review status: criteria provided, multiple submitters, no conflicts (2 of 4 stars). 2 submissions from 2 submitters: Likely benign (2). Last evaluated 2025-05-27.

Submissions (2):

Women's Health and Genetics/Laboratory Corporation of America, LabCorp
Classification: Likely benign. Last evaluated: 2025-05-27. Review status: criteria provided, single submitter. Criteria: LabCorp Variant Classification Summary - May 2015. Collection method: clinical testing. Allele origin: germline.
Comment: Variant summary: KCNH1 c.204-8_204-6delGTT alters a conserved nucleotide located at a position not widely known to affect splicing. Consensus agreement among computation tools predict no significant impact on normal splicing. However, these predictions have yet to be confirmed by functional studies. The variant was absent in 241916 control chromosomes (gnomAD). The available data on variant occurrences in the general population are insufficient to allow any conclusion about variant significance. To our knowledge, no occurrence of c.204-8_204-6delGTT in individuals affected with KCNH1-Related Disorders and no experimental evidence demonstrating its impact on protein function have been reported. ClinVar contains an entry for this variant (Variation ID: 2733799). Based on the evidence outlined above, the variant was classified as likely benign.

Labcorp Genetics (formerly Invitae), Labcorp
Classification: Likely benign. Last evaluated: 2023-06-12. Review status: criteria provided, single submitter. Criteria: Invitae Variant Classification Sherloc (09022015). Collection method: clinical testing. Allele origin: germline.